The following is an entry in ClinVar:

NM_006031.6(PCNT):c.91A>G (p.Ser31Gly)

Genes: PCNT (pericentrin; plus strand), LOC128092249 (uncharacterized LOC128092249; plus strand). Cytogenetic location: 21q22.3.
Variant type: single nucleotide variant.
Coding change: c.91A>G on transcript NM_006031.6 (MANE Select); coding-DNA position 91, A replaced by G.
Protein change: p.Ser31Gly; replaces serine 31 with glycine.
Molecular consequence: missense variant. On other transcripts: 5 prime UTR variant (1).
Genome position (GRCh38, 1-based): chr21:46,326,413, A>G. VCF-style: chr21-46326413-A-G. GRCh37 (hg19) VCF-style: chr21-47746327-A-G.
Other names: c.-264A>G (NM_001315529.2); c.91A>G (NM_006031.5); short protein forms S31G.
Identifiers: ClinVar variation 1512520 (VCV001512520.2), dbSNP rs745970165, ClinGen allele CA10078135.

ClinVar aggregate classification (germline): Uncertain significance. Review status: criteria provided, multiple submitters, no conflicts (2 of 4 stars). 2 submissions from 2 submitters: Uncertain significance (2). Last evaluated 2026-02-12.

Conditions:
PCNT-related disorder. Also called: PCNT-related condition.

Allele frequency attached by ClinVar (database versions not stated): gnomAD 0.00003; TOPMed 0.00003; ExAC 0.00007; gnomAD exomes 0.00008.
gnomAD v4.1: 39 of 1,614,110 alleles (0.0024%); highest among the groups gnomAD compares: East Asian, 0.065%; no homozygotes.

Submissions (2):

PreventionGenetics, part of Exact Sciences
Classification: Uncertain significance for PCNT-related condition. Last evaluated: 2026-02-12. Review status: criteria provided, single submitter. Criteria: ACMG Guidelines, 2015. Collection method: clinical testing. Allele origin: germline.
Comment: The PCNT c.91A>G variant is predicted to result in the amino acid substitution p.Ser31Gly. To our knowledge, this variant has not been reported in the literature. This variant is reported in 0.090% of alleles in individuals of East Asian descent in gnomAD. Although we suspect that this variant may be benign, at this time, the clinical significance of this variant is uncertain due to the absence of conclusive functional and genetic evidence.

Labcorp Genetics (formerly Invitae), Labcorp
Classification: Uncertain significance. Last evaluated: 2021-09-04. Review status: criteria provided, single submitter. Criteria: Invitae Variant Classification Sherloc (09022015). Collection method: clinical testing. Allele origin: germline.
Comment: This sequence change replaces serine with glycine at codon 31 of the PCNT protein (p.Ser31Gly). The serine residue is weakly conserved and there is a small physicochemical difference between serine and glycine. This variant is present in population databases (rs745970165, ExAC 0.09%). This variant has not been reported in the literature in individuals affected with PCNT-related conditions. Algorithms developed to predict the effect of missense changes on protein structure and function output the following: SIFT: "Tolerated"; PolyPhen-2: "Benign"; Align-GVGD: "Class C0". The glycine amino acid residue is found in multiple mammalian species, which suggests that this missense change does not adversely affect protein function. In summary, the available evidence is currently insufficient to determine the role of this variant in disease. Therefore, it has been classified as a Variant of Uncertain Significance.